The following is an entry in ClinVar:

NM_000222.3(KIT):c.691G>A (p.Val231Met)

Gene: KIT (KIT proto-oncogene, receptor tyrosine kinase; plus strand). Cytogenetic location: 4q12.
Variant type: single nucleotide variant.
Coding change: c.691G>A on transcript NM_000222.3 (MANE Select); coding-DNA position 691, G replaced by A.
Protein change: p.Val231Met; replaces valine 231 with methionine.
Molecular consequence: missense variant.
Genome position (GRCh38, 1-based): chr4:54,699,701, G>A. VCF-style: chr4-54699701-G-A. GRCh37 (hg19) VCF-style: chr4-55565867-G-A.
Other names: c.691G>A, p.Val231Met (NM_001093772.2, NM_001385284.1, NM_001385285.1 and 4 more transcripts); short protein forms V231M.
Identifiers: ClinVar variation 952748 (VCV000952748.10), dbSNP rs1720329025, ClinGen allele CA356898373.
Genomic context (GRCh38, chr4:54,699,701, plus strand): 5'-GTGCCTGTTGTGTCTGTGTCCAAAGCAAGCTATCTTCTTAGGGAAGGGGAAGAATTCACA[G>A]TGACGTGCACAATAAAAGATGTGTCTAGTTCTGTGTACTCAACGTGGAAAAGAGAAAACA-3'
Protein context (NP_000213.1, residues 221-241): YLLREGEEFT[Val231Met]TCTIKDVSSS

ClinVar aggregate classification (germline): Uncertain significance (1 of 4 stars; one submission).

Conditions:
Gastrointestinal stromal tumor. Also called: Gastrointestinal stromal tumor, somatic; Gastrointestinal stroma tumor. Identifiers: Orphanet 44890, MedGen C0238198, MeSH D046152, MONDO:0011719, OMIM 606764, HP:0100723.

Submission:

Labcorp Genetics (formerly Invitae), Labcorp
Classification: Uncertain significance for Gastrointestinal stromal tumor. Last evaluated: 2019-06-02. Review status: criteria provided, single submitter. Criteria: Invitae Variant Classification Sherloc (09022015). Collection method: clinical testing. Allele origin: germline.
Comment: This variant has not been reported in the literature in individuals with KIT-related conditions. In summary, the available evidence is currently insufficient to determine the role of this variant in disease. Therefore, it has been classified as a Variant of Uncertain Significance. Algorithms developed to predict the effect of missense changes on protein structure and function are either unavailable or do not agree on the potential impact of this missense change (SIFT: "Deleterious"; PolyPhen-2: "Probably Damaging"; Align-GVGD: "Class C0"). This variant is not present in population databases (ExAC no frequency). This sequence change replaces valine with methionine at codon 231 of the KIT protein (p.Val231Met). The valine residue is highly conserved and there is a small physicochemical difference between valine and methionine.